The following is an entry in ClinVar:

NM_001032283.3(TMPO):c.565+1872A>G

Gene: TMPO (thymopoietin; plus strand). Cytogenetic location: 12q23.1.
Variant type: single nucleotide variant.
Coding change: c.565+1872A>G on transcript NM_001032283.3 (MANE Select); 1872 bases into the intron after coding-DNA position 565, A replaced by G.
Molecular consequence: intron variant. On other transcripts: missense variant (1).
Genome position (GRCh38, 1-based): chr12:98,533,710, A>G. VCF-style: chr12-98533710-A-G. GRCh37 (hg19) VCF-style: chr12-98927488-A-G.
Other names: c.1453A>G, p.Ile485Val (NM_003276.2); c.565+1872A>G (NM_001307975.2, NM_001032284.3); short protein forms I485V.
Identifiers: ClinVar variation 410624 (VCV000410624.12), dbSNP rs1060502979, ClinGen allele CA16613784.

ClinVar aggregate classification (germline): Uncertain significance. Review status: criteria provided, multiple submitters, no conflicts (2 of 4 stars). 2 submissions from 2 submitters: Uncertain significance (2). Last evaluated 2025-08-28.

Conditions:
Loeys-Dietz syndrome 2 (LDS2). Also called: TGFBR2-Related Loeys-Dietz Syndrome; Marfan syndrome, type 2 (formerly); AORTIC ANEURYSM, FAMILIAL THORACIC 3; MARFAN SYNDROME, TYPE II; Marfan Syndrome type 2; Marfan like connective tissue disorder. Identifiers: Orphanet 284973, Orphanet 558, MedGen C2674574, MONDO:0012427, OMIM 610168.

Allele frequency attached by ClinVar (database versions not stated): TOPMed below 0.00001.

Submissions (2):

Ambry Genetics
Classification: Uncertain significance. Last evaluated: 2025-08-28. Review status: criteria provided, single submitter. Criteria: Ambry Variant Classification Scheme 2023. Collection method: clinical testing. Allele origin: germline.
Comment: The p.I485V variant (also known as c.1453A>G), located in coding exon 4 of the TMPO gene, results from an A to G substitution at nucleotide position 1453. The isoleucine at codon 485 is replaced by valine, an amino acid with highly similar properties. This amino acid position is conserved. In addition, this alteration is predicted to be tolerated by in silico analysis. Based on the available evidence, the clinical significance of this variant remains unclear.

Labcorp Genetics (formerly Invitae), Labcorp
Classification: Uncertain significance for Loeys-Dietz syndrome 2. Last evaluated: 2022-07-05. Review status: criteria provided, single submitter. Criteria: Invitae Variant Classification Sherloc (09022015). Collection method: clinical testing. Allele origin: germline.
Comment: In summary, the available evidence is currently insufficient to determine the role of this variant in disease. Therefore, it has been classified as a Variant of Uncertain Significance. Algorithms developed to predict the effect of missense changes on protein structure and function output the following: SIFT: "Tolerated"; PolyPhen-2: "Benign"; Align-GVGD: "Class C0". The valine amino acid residue is found in multiple mammalian species, which suggests that this missense change does not adversely affect protein function. ClinVar contains an entry for this variant (Variation ID: 410624). This variant has not been reported in the literature in individuals affected with TMPO-related conditions. This variant is not present in population databases (gnomAD no frequency). This sequence change replaces isoleucine, which is neutral and non-polar, with valine, which is neutral and non-polar, at codon 485 of the TMPO protein (p.Ile485Val).